The following is an entry in ClinVar:

NM_206933.4(USH2A):c.15355C>T (p.Arg5119Trp)

Gene: USH2A (usherin; minus strand). Cytogenetic location: 1q41.
Variant type: single nucleotide variant.
Coding change: c.15355C>T on transcript NM_206933.4 (MANE Select); coding-DNA position 15355, C replaced by T.
Protein change: p.Arg5119Trp; replaces arginine 5119 with tryptophan.
Molecular consequence: missense variant.
Genome position (GRCh38, 1-based): chr1:215,628,978, G>A on the plus strand (C>T on the coding strand, the complement: USH2A is on the minus strand). VCF-style: chr1-215628978-G-A. GRCh37 (hg19) VCF-style: chr1-215802320-G-A.
Other names: short protein forms R5119W.
Identifiers: ClinVar variation 1007668 (VCV001007668.5), dbSNP rs767137840, ClinGen allele CA1392697.

ClinVar aggregate classification (germline): Conflicting classifications of pathogenicity. Review status: criteria provided, conflicting classifications (1 of 4 stars). 4 submissions from 4 submitters: Uncertain significance (2); Likely benign (1). 1 of the submissions does not count toward it. Last evaluated 2023-10-01.

Conditions:
Usher syndrome type 2A. Also called: RETINAL DISEASE IN USHER SYNDROME TYPE IIA, MODIFIER OF; USHER SYNDROME, TYPE IIA. Identifiers: Orphanet 231178, Orphanet 886, MedGen C1848634, MONDO:0010169, OMIM 276901.
Retinal dystrophy. Also called: Inherited retinal dystrophy. Identifiers: Orphanet 71862, MedGen C0854723, MeSH D058499, MONDO:0019118, HP:0000556.

Allele frequency attached by ClinVar (database versions not stated): gnomAD exomes 0.00003 and 0.00006; ExAC 0.00008.
gnomAD v4.1: 52 of 1,613,826 alleles (0.0032%); highest among the groups gnomAD compares: East Asian, 0.074%; no homozygotes.

Submissions (4):

Dept Of Ophthalmology, Nagoya University
Classification: Likely benign for Retinal dystrophy. Last evaluated: 2023-10-01. Review status: criteria provided, single submitter. Criteria: Submitter's publication. Collection method: research. Allele origin: germline. Affected: yes.

Blueprint Genetics
Classification: Uncertain significance. Last evaluated: 2022-07-08. Review status: criteria provided, single submitter. Criteria: ACMG Guidelines, 2015. Collection method: clinical testing. Allele origin: germline.

Labcorp Genetics (formerly Invitae), Labcorp
Classification: Uncertain significance. Last evaluated: 2021-09-17. Review status: criteria provided, single submitter. Criteria: Invitae Variant Classification Sherloc (09022015). Collection method: clinical testing. Allele origin: germline.
Comment: This sequence change replaces arginine with tryptophan at codon 5119 of the USH2A protein (p.Arg5119Trp). The arginine residue is moderately conserved and there is a moderate physicochemical difference between arginine and tryptophan. This variant is present in population databases (rs767137840, ExAC 0.08%). This variant has been observed in individual(s) with clinical features of retinitis pigmentosa (PMID: 33105608). ClinVar contains an entry for this variant (Variation ID: 1007668). Algorithms developed to predict the effect of missense changes on protein structure and function are either unavailable or do not agree on the potential impact of this missense change (SIFT: "Deleterious"; PolyPhen-2: "Possibly Damaging"; Align-GVGD: "Class C0"). In summary, the available evidence is currently insufficient to determine the role of this variant in disease. Therefore, it has been classified as a Variant of Uncertain Significance.

Natera, Inc.
Classification: Uncertain significance for Usher syndrome type 2A. Last evaluated: 2020-03-16. Review status: no assertion criteria provided. Collection method: clinical testing. Allele origin: germline. Not counted in ClinVar's aggregate classification.

Literature cited by the submitters: PubMed 33105608 (cited by Labcorp Genetics (formerly Invitae), Labcorp).